The following is an entry in ClinVar:

NM_015650.4(TRAF3IP1):c.511G>A (p.Ala171Thr)

Gene: TRAF3IP1 (TRAF3 interacting protein 1; plus strand). Cytogenetic location: 2q37.3.
Variant type: single nucleotide variant.
Coding change: c.511G>A on transcript NM_015650.4 (MANE Select); coding-DNA position 511, G replaced by A.
Protein change: p.Ala171Thr; replaces alanine 171 with threonine.
Molecular consequence: missense variant.
Genome position (GRCh38, 1-based): chr2:238,328,938, G>A. VCF-style: chr2-238328938-G-A. GRCh37 (hg19) VCF-style: chr2-239237579-G-A.
Other names: c.511G>A, p.Ala171Thr (NM_001139490.1); short protein forms A171T.
Identifiers: ClinVar variation 1395996 (VCV001395996.6), dbSNP rs781723850, ClinGen allele CA2198092.

ClinVar aggregate classification (germline): Uncertain significance (1 of 4 stars; one submission).

Allele frequency attached by ClinVar (database versions not stated): TOPMed 0.00001; ExAC 0.00003; gnomAD exomes 0.00001.

Submission:

Labcorp Genetics (formerly Invitae), Labcorp
Classification: Uncertain significance. Last evaluated: 2022-09-07. Review status: criteria provided, single submitter. Criteria: Invitae Variant Classification Sherloc (09022015). Collection method: clinical testing. Allele origin: germline.
Comment: Algorithms developed to predict the effect of missense changes on protein structure and function (SIFT, PolyPhen-2, Align-GVGD) all suggest that this variant is likely to be tolerated. In summary, the available evidence is currently insufficient to determine the role of this variant in disease. Therefore, it has been classified as a Variant of Uncertain Significance. ClinVar contains an entry for this variant (Variation ID: 1395996). This variant has not been reported in the literature in individuals affected with TRAF3IP1-related conditions. This variant is present in population databases (rs781723850, gnomAD 0.001%). This sequence change replaces alanine, which is neutral and non-polar, with threonine, which is neutral and polar, at codon 171 of the TRAF3IP1 protein (p.Ala171Thr).